The following is an entry in ClinVar:

NM_003119.4(SPG7):c.1282G>A (p.Glu428Lys)

Gene: SPG7 (SPG7 matrix AAA peptidase subunit, paraplegin; plus strand). Cytogenetic location: 16q24.3.
Variant type: single nucleotide variant.
Coding change: c.1282G>A on transcript NM_003119.4 (MANE Select); coding-DNA position 1282, G replaced by A.
Protein change: p.Glu428Lys; replaces glutamic acid 428 with lysine.
Molecular consequence: missense variant.
Genome position (GRCh38, 1-based): chr16:89,532,594, G>A. VCF-style: chr16-89532594-G-A. GRCh37 (hg19) VCF-style: chr16-89599002-G-A.
Other names: c.1282G>A, p.Glu428Lys (NM_001363850.1, NM_199367.3); short protein forms E428K.
Identifiers: ClinVar variation 4879418 (VCV004879418.1).

ClinVar aggregate classification (germline): Uncertain significance (1 of 4 stars; one submission).

Conditions:
Hereditary spastic paraplegia 7 (SPG7). Also called: Spastic paraplegia 7; Hereditary spastic paraplegia Paraplegin type; Autosomal recessive spastic paraplegia type 7; SPASTIC PARAPLEGIA 7, AUTOSOMAL RECESSIVE, WITH OR WITHOUT CEREBELLAR ATAXIA; SPG7-related neurologic disorder. Identifiers: Orphanet 99013, MedGen C1846564, MONDO:0011803, OMIM 607259.

Submission:

Institute of Human Genetics, University of Leipzig Medical Center
Classification: Uncertain significance for Hereditary spastic paraplegia 7. Last evaluated: 2026-06-25. Review status: criteria provided, single submitter. Criteria: ACMG Guidelines, 2015. Collection method: clinical testing. Allele origin: maternal. Inheritance: Autosomal recessive inheritance. Affected: yes.
Comment: Criteria applied: PM2,PP3